The following is an entry in ClinVar:

NM_000384.3(APOB):c.2209C>G (p.His737Asp)

Gene: APOB (apolipoprotein B; minus strand). Cytogenetic location: 2p24.1.
Variant type: single nucleotide variant.
Coding change: c.2209C>G on transcript NM_000384.3 (MANE Select); coding-DNA position 2209, C replaced by G.
Protein change: p.His737Asp; replaces histidine 737 with aspartic acid.
Molecular consequence: missense variant.
Genome position (GRCh38, 1-based): chr2:21,026,823, G>C on the plus strand (C>G on the coding strand, the complement: APOB is on the minus strand). VCF-style: chr2-21026823-G-C. GRCh37 (hg19) VCF-style: chr2-21249695-G-C.
Other names: short protein forms H737D.
Identifiers: ClinVar variation 919351 (VCV000919351.5), dbSNP rs1663741564, ClinGen allele CA346013122.

ClinVar aggregate classification (germline): Uncertain significance (1 of 4 stars; one submission).

Conditions:
Cardiovascular phenotype. Identifiers: MedGen CN230736.

Allele frequency attached by ClinVar (database versions not stated): gnomAD exomes 0.00001.
gnomAD v4.1: 17 of 1,614,018 alleles (0.0011%); highest among the groups gnomAD compares: Non-Finnish European, 0.0014%; no homozygotes.

Submission:

Ambry Genetics
Classification: Uncertain significance for Cardiovascular phenotype. Last evaluated: 2020-01-06. Review status: criteria provided, single submitter. Criteria: Ambry Variant Classification Scheme 2023. Collection method: clinical testing. Allele origin: germline.
Comment: The p.H737D variant (also known as c.2209C>G), located in coding exon 15 of the APOB gene, results from a C to G substitution at nucleotide position 2209. The histidine at codon 737 is replaced by aspartic acid, an amino acid with similar properties. This amino acid position is not well conserved in available vertebrate species. In addition, this alteration is predicted to be tolerated by in silico analysis. Since supporting evidence is limited at this time, the clinical significance of this alteration remains unclear.